The following is an entry in ClinVar:

NM_001849.4(COL6A2):c.2097_2098delinsTA (p.Gly700Ser)

Gene: COL6A2 (collagen type VI alpha 2 chain; plus strand). Cytogenetic location: 21q22.3.
Variant type: Indel.
Coding change: c.2097_2098delinsTA on transcript NM_001849.4 (MANE Select); coding-DNA positions 2097 to 2098, CG replaced by TA.
Protein change: p.Gly700Ser; replaces glycine 700 with serine.
Molecular consequence: missense variant.
Genome position (GRCh38, 1-based): chr21:46,125,912-46,125,913, CG replaced by TA. VCF-style: chr21-46125912-CG-TA. GRCh37 (hg19) VCF-style: chr21-47545826-CG-TA.
Other names: c.2097_2098delinsTA, p.Gly700Ser (NM_058174.3, NM_058175.3); short protein forms G700S.
Identifiers: ClinVar variation 1060752 (VCV001060752.9), dbSNP rs2123663616, ClinGen allele CA2499225995.

ClinVar aggregate classification (germline): Pathogenic (1 of 4 stars; one submission).

Conditions:
Bethlem myopathy 1A. Also called: Bethlem Muscular Dystrophy; MYOPATHY, BENIGN CONGENITAL, WITH CONTRACTURES; Bethlem myopathy 1. Identifiers: Orphanet 610, MedGen CN029274, MONDO:0024530, OMIM 158810.

Submission:

Labcorp Genetics (formerly Invitae), Labcorp
Classification: Pathogenic for Bethlem myopathy 1A. Last evaluated: 2022-09-13. Review status: criteria provided, single submitter. Criteria: Invitae Variant Classification Sherloc (09022015). Collection method: clinical testing. Allele origin: germline.
Comment: For these reasons, this variant has been classified as Pathogenic. This variant disrupts the p.Gly700 amino acid residue in COL6A2. Other variant(s) that disrupt this residue have been determined to be pathogenic (Invitae). This suggests that this residue is clinically significant, and that variants that disrupt this residue are likely to be disease-causing. Algorithms developed to predict the effect of sequence changes on RNA splicing suggest that this variant may create or strengthen a splice site. Experimental studies and prediction algorithms are not available or were not evaluated, and the functional significance of this variant is currently unknown. ClinVar contains an entry for this variant (Variation ID: 1060752). A different variant (c.2098G>A) giving rise to the same protein effect has been determined to be pathogenic (PMID: 15689448; Invitae). This suggests that this variant is also likely to be causative of disease. Information on the frequency of this variant in the gnomAD database is not available, as this variant may be reported differently in the database. This sequence change replaces glycine, which is neutral and non-polar, with serine, which is neutral and polar, at codon 700 of the COL6A2 protein (p.Gly700Ser).

Literature cited by the submitters: PubMed 15689448.